The following is an entry in ClinVar:

ClinVar aggregate classification (germline): Likely pathogenic (1 of 4 stars; one submission).

Conditions:
FRYL-related disorder.

gnomAD v4.1: 1 of 1,570,858 alleles (0.000064%); highest among the groups gnomAD compares: Non-Finnish European, 0.000087%; no homozygotes.

Submission:

3billion
Classification: Likely pathogenic for FRYL related disorder. Last evaluated: 2022-01-03. Review status: criteria provided, single submitter. Criteria: ACMG Guidelines, 2015. Collection method: clinical testing. Allele origin: germline. Affected: yes. Observed: 1 heterozygote.
Comment: Canonical splice site: predicted to alter splicing and result in a loss or disruption of normal protein function through protein truncation. Multiple pathogenic variants are reported in the predicted truncated region (PVS1_VS).It is not observed in the gnomAD v2.1.1 dataset (PM2_M). Therefore, this variant is classified as likely pathogenic according to the recommendation of ACMG/AMP guideline.

NM_015030.2(FRYL):c.834+1G>C

Gene: FRYL (FRY like transcription coactivator; minus strand). Cytogenetic location: 4p11.
Variant type: single nucleotide variant.
Coding change: c.834+1G>C on transcript NM_015030.2 (MANE Select); the canonical splice donor site of the intron after coding-DNA position 834, G replaced by C.
Molecular consequence: splice donor variant.
Genome position (GRCh38, 1-based): chr4:48,605,740, C>G on the plus strand (G>C on the coding strand, the complement: FRYL is on the minus strand). VCF-style: chr4-48605740-C-G. GRCh37 (hg19) VCF-style: chr4-48607757-C-G.
Identifiers: ClinVar variation 1333288 (VCV001333288.1), dbSNP rs2149264030, ClinGen allele CA356928753.